The following is an entry in ClinVar:

ClinVar aggregate classification (germline): Uncertain significance (1 of 4 stars; one submission).

Allele frequency attached by ClinVar (database versions not stated): gnomAD exomes below 0.00001; ExAC 0.00001; TOPMed 0.00002; gnomAD 0.00001; ESP Exome Variant Server 0.00008.
gnomAD v4.1: 7 of 1,613,404 alleles (0.00043%); highest among the groups gnomAD compares: African/African-American, 0.0067%; no homozygotes.

Submission:

Labcorp Genetics (formerly Invitae), Labcorp
Classification: Uncertain significance. Last evaluated: 2025-03-29. Review status: criteria provided, single submitter. Criteria: Invitae Variant Classification Sherloc (09022015). Collection method: clinical testing. Allele origin: germline.
Comment: This sequence change replaces proline, which is neutral and non-polar, with threonine, which is neutral and polar, at codon 861 of the JAK1 protein (p.Pro861Thr). This variant is present in population databases (rs375979659, gnomAD 0.008%). This variant has not been reported in the literature in individuals affected with JAK1-related conditions. ClinVar contains an entry for this variant (Variation ID: 2012997). Invitae Evidence Modeling of protein sequence and biophysical properties (such as structural, functional, and spatial information, amino acid conservation, physicochemical variation, residue mobility, and thermodynamic stability) indicates that this missense variant is not expected to disrupt JAK1 protein function with a negative predictive value of 80%. In summary, the available evidence is currently insufficient to determine the role of this variant in disease. Therefore, it has been classified as a Variant of Uncertain Significance.

NM_002227.4(JAK1):c.2581C>A (p.Pro861Thr)

Gene: JAK1 (Janus kinase 1; minus strand). Cytogenetic location: 1p31.3.
Variant type: single nucleotide variant.
Coding change: c.2581C>A on transcript NM_002227.4 (MANE Select); coding-DNA position 2581, C replaced by A.
Protein change: p.Pro861Thr; replaces proline 861 with threonine.
Molecular consequence: missense variant.
Genome position (GRCh38, 1-based): chr1:64,841,313, G>T on the plus strand (C>A on the coding strand, the complement: JAK1 is on the minus strand). VCF-style: chr1-64841313-G-T. GRCh37 (hg19) VCF-style: chr1-65306996-G-T.
Other names: c.2581C>A, p.Pro861Thr (NM_001320923.2, NM_001321852.2, NM_001321853.2 and 3 more transcripts); c.2578C>A, p.Pro860Thr (NM_001321857.2); short protein forms P860T, P861T.
Identifiers: ClinVar variation 2012997 (VCV002012997.4), dbSNP rs375979659, ClinGen allele CA892633.